The following is an entry in ClinVar:

ClinVar aggregate classification (germline): Uncertain significance (1 of 4 stars; one submission).

Conditions:
Osteogenesis imperfecta type 7 (OI7). Also called: OSTEOGENESIS IMPERFECTA, TYPE IIB; Osteogenesis imperfecta type 2B; OI type 2B; Osteogenesis imperfecta, perinatal lethal autosomal recessive; OI type IIB; OI type 7. Identifiers: MedGen C1853162, MONDO:0012536, OMIM 610682.

Submission:

Labcorp Genetics (formerly Invitae), Labcorp
Classification: Uncertain significance for Osteogenesis imperfecta type 7. Last evaluated: 2025-03-05. Review status: criteria provided, single submitter. Criteria: Invitae Variant Classification Sherloc (09022015). Collection method: clinical testing. Allele origin: germline.
Comment: This sequence change replaces isoleucine, which is neutral and non-polar, with threonine, which is neutral and polar, at codon 198 of the CRTAP protein (p.Ile198Thr). This variant is not present in population databases (gnomAD no frequency). This variant has not been reported in the literature in individuals affected with CRTAP-related conditions. Invitae Evidence Modeling of protein sequence and biophysical properties (such as structural, functional, and spatial information, amino acid conservation, physicochemical variation, residue mobility, and thermodynamic stability) indicates that this missense variant is expected to disrupt CRTAP protein function with a positive predictive value of 80%. In summary, the available evidence is currently insufficient to determine the role of this variant in disease. Therefore, it has been classified as a Variant of Uncertain Significance.

NM_006371.5(CRTAP):c.593T>C (p.Ile198Thr)

Gene: CRTAP (cartilage associated protein; plus strand). Cytogenetic location: 3p22.3.
Variant type: single nucleotide variant.
Coding change: c.593T>C on transcript NM_006371.5 (MANE Select); coding-DNA position 593, T replaced by C.
Protein change: p.Ile198Thr; replaces isoleucine 198 with threonine.
Molecular consequence: missense variant. On other transcripts: intron variant (1).
Genome position (GRCh38, 1-based): chr3:33,120,465, T>C. VCF-style: chr3-33120465-T-C. GRCh37 (hg19) VCF-style: chr3-33161957-T-C.
Other names: c.593T>C, p.Ile198Thr (NM_001393363.1, NM_001393364.1); c.472-3943T>C (NM_001393365.1); short protein forms I198T.
Identifiers: ClinVar variation 4742177 (VCV004742177.1).
Genomic context (GRCh38, chr3:33,120,465, plus strand): 5'-ACGAAATGATGAAGAGGAACATGGCATATTATAAGAGCCTGCCTGGTGCCGAGGACTACA[T>C]TAAAGACCTGGAAACCAAGTCATATGAAGTATGTTTGGATTTTTATGTGGCAGTTAGTGG-3'
Protein context (NP_006362.1, residues 188-208): YKSLPGAEDY[Ile198Thr]KDLETKSYES